The following is an entry in ClinVar:

ClinVar aggregate classification (germline): Pathogenic (1 of 4 stars; one submission).

Conditions:
Hereditary cancer-predisposing syndrome. Also called: Hereditary Cancer Syndrome; Neoplastic Syndromes, Hereditary; Hereditary neoplastic syndrome; Tumor predisposition. Identifiers: Orphanet 140162, MedGen C0027672, MeSH D009386, MONDO:0015356.

Submission:

Ambry Genetics
Classification: Pathogenic for Hereditary cancer-predisposing syndrome. Last evaluated: 2015-09-27. Review status: criteria provided, single submitter. Criteria: Ambry Variant Classification Scheme 2023. Collection method: clinical testing. Allele origin: germline.
Comment: The c.1462dupC pathogenic mutation, located in coding exon 8 of the DICER1 gene, results from a duplication of C at nucleotide position 1462, causing a translational frameshift with a predicted alternate stop codon. Since frameshifts are typically deleterious in nature, this alteration is interpreted as a disease-causing mutation (ACMG Recommendations for Standards for Interpretation and Reporting of Sequence Variations. Revision 2007. Genet Med. 2008;10:294).

NM_177438.3(DICER1):c.1462dup (p.Gln488fs)

Gene: DICER1 (dicer 1, ribonuclease III; minus strand). Cytogenetic location: 14q32.13.
Variant type: Duplication.
Coding change: c.1462dup on transcript NM_177438.3 (MANE Select); coding-DNA position 1462, one base duplicated (C; older notation c.1462dupC).
Protein change: p.Gln488fs; shifts the reading frame from glutamine 488.
Molecular consequence: frameshift variant.
Genome position (GRCh38, 1-based): chr14:95,117,669, G duplicated on the plus strand (C on the coding strand, the reverse complement: DICER1 is on the minus strand). VCF-style (leftmost placement, unchanged base first): chr14-95117668-T-TG. GRCh37 (hg19) VCF-style: chr14-95584005-T-TG.
Other names: c.1462dup, p.Gln488fs (NM_001195573.1, NM_001271282.3, NM_001291628.2 and 1 more transcripts); c.1462dupC (NM_177438.2); short protein forms Q488fs.
Identifiers: ClinVar variation 429138 (VCV000429138.5), dbSNP rs1131691209, ClinGen allele CA645369631.